The following is an entry in ClinVar:

NM_001349253.2(SCN11A):c.5107A>G (p.Met1703Val)

Gene: SCN11A (sodium voltage-gated channel alpha subunit 11; minus strand). Cytogenetic location: 3p22.2.
Variant type: single nucleotide variant.
Coding change: c.5107A>G on transcript NM_001349253.2 (MANE Select); coding-DNA position 5107, A replaced by G.
Protein change: p.Met1703Val; replaces methionine 1703 with valine.
Molecular consequence: missense variant.
Genome position (GRCh38, 1-based): chr3:38,846,963, T>C on the plus strand (A>G on the coding strand, the complement: SCN11A is on the minus strand). VCF-style: chr3-38846963-T-C. GRCh37 (hg19) VCF-style: chr3-38888454-T-C.
Other names: c.5107A>G, p.Met1703Val (NM_014139.3); short protein forms M1703V.
Identifiers: ClinVar variation 852134 (VCV000852134.10), dbSNP rs146245811, ClinGen allele CA2321397.

ClinVar aggregate classification (germline): Uncertain significance. Review status: criteria provided, multiple submitters, no conflicts (2 of 4 stars). 3 submissions from 3 submitters: Uncertain significance (3). Last evaluated 2026-08-03.

Conditions:
SCN11A-related disorder. Also called: SCN11A-related condition.
Hereditary sensory and autonomic neuropathy type 7. Also called: HSAN VII; Neuropathy, hereditary sensory and autonomic, type VII. Identifiers: Orphanet 391397, MedGen C3809882, MONDO:0014244, OMIM 615548.
Familial episodic pain syndrome with predominantly lower limb involvement. Also called: Episodic pain syndrome, familial, 3. Identifiers: Orphanet 391384, Orphanet 391392, MedGen C3809899, MONDO:0014247, OMIM 615552.
Inborn genetic diseases. Identifiers: MedGen C0950123, MeSH D030342.

Allele frequency attached by ClinVar (database versions not stated): gnomAD exomes 0.00001 and 0.00002; ExAC 0.00002; gnomAD 0.00002; TOPMed 0.00002; ESP Exome Variant Server 0.00008.

Submissions (3):

PreventionGenetics, part of Exact Sciences
Classification: Uncertain significance for SCN11A-related condition. Last evaluated: 2026-08-03. Review status: criteria provided, single submitter. Criteria: ACMG Guidelines, 2015. Collection method: clinical testing. Allele origin: germline.
Comment: The SCN11A c.5107A>G variant is predicted to result in the amino acid substitution p.Met1703Val. To our knowledge, this variant has not been reported in the literature. This variant is reported in 0.0047% of alleles in individuals of European (Non-Finnish) descent in gnomAD. At this time, the clinical significance of this variant is uncertain due to the absence of conclusive functional and genetic evidence.

Ambry Genetics
Classification: Uncertain significance for Inborn genetic diseases. Last evaluated: 2025-02-19. Review status: criteria provided, single submitter. Criteria: Ambry Variant Classification Scheme 2023. Collection method: clinical testing. Allele origin: germline.

Labcorp Genetics (formerly Invitae), Labcorp
Classification: Uncertain significance for Familial episodic pain syndrome with predominantly lower limb involvement; Hereditary sensory and autonomic neuropathy type 7. Last evaluated: 2024-09-28. Review status: criteria provided, single submitter. Criteria: Invitae Variant Classification Sherloc (09022015). Collection method: clinical testing. Allele origin: germline.
Comment: This sequence change replaces methionine, which is neutral and non-polar, with valine, which is neutral and non-polar, at codon 1703 of the SCN11A protein (p.Met1703Val). This variant is present in population databases (rs146245811, gnomAD 0.005%). This variant has not been reported in the literature in individuals affected with SCN11A-related conditions. ClinVar contains an entry for this variant (Variation ID: 852134). Invitae Evidence Modeling of protein sequence and biophysical properties (such as structural, functional, and spatial information, amino acid conservation, physicochemical variation, residue mobility, and thermodynamic stability) indicates that this missense variant is not expected to disrupt SCN11A protein function with a negative predictive value of 80%. In summary, the available evidence is currently insufficient to determine the role of this variant in disease. Therefore, it has been classified as a Variant of Uncertain Significance.